The following is an entry in ClinVar:

NM_000321.3(RB1):c.240A>T (p.Lys80Asn)

Gene: RB1 (RB transcriptional corepressor 1; plus strand). Cytogenetic location: 13q14.2.
Variant type: single nucleotide variant.
Coding change: c.240A>T on transcript NM_000321.3 (MANE Select); coding-DNA position 240, A replaced by T.
Protein change: p.Lys80Asn; replaces lysine 80 with asparagine.
Molecular consequence: missense variant.
Genome position (GRCh38, 1-based): chr13:48,307,382, A>T. VCF-style: chr13-48307382-A-T. GRCh37 (hg19) VCF-style: chr13-48881518-A-T.
Other names: c.240A>T, p.Lys80Asn (NM_001407165.1, NM_001407166.1, NM_001407167.1); short protein forms K80N.
Identifiers: ClinVar variation 1790851 (VCV001790851.7), dbSNP rs780829988, ClinGen allele CA035513.

ClinVar aggregate classification (germline): Conflicting classifications of pathogenicity. Review status: criteria provided, conflicting classifications (1 of 4 stars). 4 submissions from 4 submitters: Uncertain significance (2); Likely benign (2). Last evaluated 2026-06-18.

Conditions:
Hereditary cancer-predisposing syndrome. Also called: Neoplastic Syndromes, Hereditary; Tumor predisposition; Hereditary neoplastic syndrome; Hereditary Cancer Syndrome. Identifiers: Orphanet 140162, MedGen C0027672, MeSH D009386, MONDO:0015356.
Retinoblastoma (RB1). Also called: RETINOBLASTOMA, SOMATIC. Identifiers: Orphanet 790, MedGen C0035335, MeSH D012175, MONDO:0008380, OMIM 180200, HP:0009919. Disease mechanism: loss of function. Inheritance: Both sporadic and heritable forms are tested..

Allele frequency attached by ClinVar (database versions not stated): TOPMed below 0.00001.
gnomAD v4.1: 41 of 1,613,472 alleles (0.0025%); highest among the groups gnomAD compares: Non-Finnish European, 0.00034%; no homozygotes.

Submissions (4):

Myriad Genetics, Inc.
Classification: Likely benign for Retinoblastoma. Last evaluated: 2026-06-18. Review status: criteria provided, single submitter. Criteria: Myriad Autosomal Dominant, Autosomal Recessive and X-Linked Classification Criteria (2023). Collection method: clinical testing. Allele origin: unknown.
Comment: This variant is considered likely benign. This variant has been observed at a population frequency that is significantly greater than expected given the associated disease prevalence and penetrance.

Labcorp Genetics (formerly Invitae), Labcorp
Classification: Uncertain significance for Retinoblastoma. Last evaluated: 2025-07-08. Review status: criteria provided, single submitter. Criteria: Invitae Variant Classification Sherloc (09022015). Collection method: clinical testing. Allele origin: germline.
Comment: This sequence change replaces lysine, which is basic and polar, with asparagine, which is neutral and polar, at codon 80 of the RB1 protein (p.Lys80Asn). This variant is present in population databases (rs780829988, gnomAD 0.07%), and has an allele count higher than expected for a pathogenic variant. This variant has not been reported in the literature in individuals affected with RB1-related conditions. ClinVar contains an entry for this variant (Variation ID: 1790851). Invitae Evidence Modeling of protein sequence and biophysical properties (such as structural, functional, and spatial information, amino acid conservation, physicochemical variation, residue mobility, and thermodynamic stability) indicates that this missense variant is not expected to disrupt RB1 protein function with a negative predictive value of 80%. In summary, the available evidence is currently insufficient to determine the role of this variant in disease. Therefore, it has been classified as a Variant of Uncertain Significance.

Ambry Genetics
Classification: Likely benign for Hereditary cancer-predisposing syndrome. Last evaluated: 2022-10-28. Review status: criteria provided, single submitter. Criteria: Ambry Variant Classification Scheme 2023. Collection method: clinical testing. Allele origin: germline.

GeneDx
Classification: Uncertain significance. Last evaluated: 2022-08-11. Review status: criteria provided, single submitter. Criteria: GeneDx Variant Classification Process June 2021. Collection method: clinical testing. Allele origin: germline. Affected: yes.
Comment: In silico analysis supports that this missense variant does not alter protein structure/function; Has not been previously published as pathogenic or benign to our knowledge; This variant is associated with the following publications: (PMID: 23516486)